The following is an entry in ClinVar:

ClinVar aggregate classification (germline): Uncertain significance (1 of 4 stars; one submission).

Conditions:
Nemaline myopathy 6 (NEM6). Also called: Nemaline myopathy 6, autosomal dominant. Identifiers: Orphanet 171439, MedGen C1836472, MONDO:0012237, OMIM 609273.

Allele frequency attached by ClinVar (database versions not stated): gnomAD 0.00001; TOPMed 0.00002.

Submission:

Labcorp Genetics (formerly Invitae), Labcorp
Classification: Uncertain significance for Nemaline myopathy 6. Last evaluated: 2026-01-12. Review status: criteria provided, single submitter. Criteria: Invitae Variant Classification Sherloc (09022015). Collection method: clinical testing. Allele origin: germline.
Comment: This sequence change replaces cysteine, which is neutral and slightly polar, with serine, which is neutral and polar, at codon 371 of the KBTBD13 protein (p.Cys371Ser). This variant is present in population databases (no rsID available, gnomAD 0.003%). This missense change has been observed in individual(s) with clinical features of KBTBD13-related conditions (PMID: 31475037). ClinVar contains an entry for this variant (Variation ID: 643647). An algorithm developed to predict the effect of missense changes on protein structure and function (PolyPhen-2) suggests that this variant is likely to be disruptive. In summary, the available evidence is currently insufficient to determine the role of this variant in disease. Therefore, it has been classified as a Variant of Uncertain Significance.

Literature cited by the submitters: PubMed 31475037.

NM_001101362.3(KBTBD13):c.1112G>C (p.Cys371Ser)

Gene: KBTBD13 (kelch repeat and BTB domain containing 13; plus strand). Cytogenetic location: 15q22.31.
Variant type: single nucleotide variant.
Coding change: c.1112G>C on transcript NM_001101362.3 (MANE Select); coding-DNA position 1112, G replaced by C.
Protein change: p.Cys371Ser; replaces cysteine 371 with serine.
Molecular consequence: missense variant.
Genome position (GRCh38, 1-based): chr15:65,077,927, G>C. VCF-style: chr15-65077927-G-C. GRCh37 (hg19) VCF-style: chr15-65370265-G-C.
Other names: short protein forms C371S.
Identifiers: ClinVar variation 643647 (VCV000643647.8), dbSNP rs1019923438, ClinGen allele CA271504664.
Genomic context (GRCh38, chr15:65,077,927, plus strand): 5'-ACAGCCTCTATGTGGTGCGCAACGGACCTTCCGACGACTTCCTGCACTGCGCCATCGACT[G>C]TCTCAACCTGGCCACGGGCCAGTGGACGGCGCTGCCCGGCCAGTTCGTCAACAGCAAGGG-3'
Protein context (NP_001094832.1, residues 361-381): SDDFLHCAID[Cys371Ser]LNLATGQWTA